The following is an entry in ClinVar:

NM_001371194.2(SEMA4D):c.2107C>T (p.Pro703Ser)

Gene: SEMA4D (semaphorin 4D; minus strand). Cytogenetic location: 9q22.2.
Variant type: single nucleotide variant.
Coding change: c.2107C>T on transcript NM_001371194.2 (MANE Select); coding-DNA position 2107, C replaced by T.
Protein change: p.Pro703Ser; replaces proline 703 with serine.
Molecular consequence: missense variant. On other transcripts: intron variant (6).
Genome position (GRCh38, 1-based): chr9:89,379,186, G>A on the plus strand (C>T on the coding strand, the complement: SEMA4D is on the minus strand). VCF-style: chr9-89379186-G-A. GRCh37 (hg19) VCF-style: chr9-91994101-G-A.
Other names: c.2107C>T, p.Pro703Ser (NM_001371195.1, NM_001371196.1, NM_001371197.1 and 1 more transcripts); c.1663+1869C>T (NM_001371198.1, NM_001371201.1, NM_001371202.1 and 3 more transcripts); short protein forms P703S.
Identifiers: ClinVar variation 3056239 (VCV003056239.2), dbSNP rs62638726, ClinGen allele CA5118166.

ClinVar aggregate classification (germline): Benign (0 of 4 stars; one submission).

Conditions:
SEMA4D-related disorder. Also called: SEMA4D-related condition.

Allele frequency attached by ClinVar (database versions not stated): 1000 Genomes Project 30x 0.03498; 1000 Genomes Project 0.03614; TOPMed 0.04151; gnomAD 0.04665; ESP Exome Variant Server 0.04928; ExAC 0.06006; gnomAD exomes 0.06066.
gnomAD v4.1: 95,689 of 1,613,992 alleles (5.9%); highest among the groups gnomAD compares: South Asian, 9.8%; 3,229 homozygotes.

Submission:

PreventionGenetics, part of Exact Sciences
Classification: Benign for SEMA4D-related condition. Last evaluated: 2019-02-22. Review status: no assertion criteria provided. Collection method: clinical testing. Allele origin: germline.
Comment: This variant is classified as benign based on ACMG/AMP sequence variant interpretation guidelines (Richards et al. 2015 PMID: 25741868, with internal and published modifications).